The following is an entry in ClinVar:

ClinVar aggregate classification (germline): Uncertain significance. Review status: criteria provided, multiple submitters, no conflicts (2 of 4 stars). 13 submissions from 13 submitters: Uncertain significance (12). 1 of the submissions does not count toward it. Last evaluated 2026-01-04.

Conditions:
PALB2-related disorder. Also called: PALB2-related condition; PALB2-related disorders.
Hereditary cancer-predisposing syndrome. Also called: Tumor predisposition; Neoplastic Syndromes, Hereditary; Hereditary neoplastic syndrome; Hereditary Cancer Syndrome. Identifiers: Orphanet 140162, MedGen C0027672, MeSH D009386, MONDO:0015356.
Familial cancer of breast. Also called: BREAST CANCER, FAMILIAL; Hereditary breast cancer; hereditary breast carcinoma. Identifiers: Orphanet 227535, MedGen C0346153, MONDO:0016419, OMIM 114480. Disease mechanism: loss of function.

Allele frequency attached by ClinVar (database versions not stated): TOPMed below 0.00001; gnomAD 0.00001; ExAC 0.00002; gnomAD exomes 0.00002 and 0.00004.
gnomAD v4.1: 65 of 1,614,064 alleles (0.004%); highest among the groups gnomAD compares: Non-Finnish European, 0.0053%; no homozygotes.

Submissions (13):

Labcorp Genetics (formerly Invitae), Labcorp
Classification: Uncertain significance for Familial cancer of breast. Last evaluated: 2026-01-04. Review status: criteria provided, single submitter. Criteria: Invitae Variant Classification Sherloc (09022015). Collection method: clinical testing. Allele origin: germline.
Comment: This sequence change replaces leucine, which is neutral and non-polar, with arginine, which is basic and polar, at codon 1150 of the PALB2 protein (p.Leu1150Arg). This variant is present in population databases (rs45566737, gnomAD 0.007%). This missense change has been observed in individual(s) with breast, endometrial, or colorectal cancer (PMID: 17200668, 26283626, 27443514, 27978560). ClinVar contains an entry for this variant (Variation ID: 141936). An algorithm developed to predict the effect of missense changes on protein structure and function (PolyPhen-2) suggests that this variant is likely to be disruptive. Experimental studies have shown that this missense change does not substantially affect PALB2 function (PMID: 31636395). In summary, the available evidence is currently insufficient to determine the role of this variant in disease. Therefore, it has been classified as a Variant of Uncertain Significance.

Quest Diagnostics Nichols Institute San Juan Capistrano
Classification: Uncertain significance. Last evaluated: 2025-07-16. Review status: criteria provided, single submitter. Criteria: Quest Diagnostics criteria. Collection method: clinical testing. Allele origin: unknown.
Comment: The PALB2 c.3449T>G (p.Leu1150Arg) variant has been reported in the published literature in individuals with breast cancer (PMIDs: 26283626 (2015), 17200668 (2007)), endometrial cancer (PMID: 27443514 (2016)), and colorectal cancer (PMID: 27978560 (2017)). A functional study demonstrated that this variant is not damaging to protein function (PMID: 31636395 (2020)). The frequency of this variant in the general population (Genome Aggregation Database) is uninformative in the assessment of its pathogenicity. Analysis of this variant using bioinformatics tools for the prediction of the effect of amino acid changes on protein structure and function yielded predictions that this variant is damaging. Based on the available information, we are unable to determine the clinical significance of this variant.

PreventionGenetics, part of Exact Sciences
Classification: Uncertain significance for PALB2-related condition. Last evaluated: 2025-06-20. Review status: criteria provided, single submitter. Criteria: ACMG Guidelines, 2015. Collection method: clinical testing. Allele origin: germline.
Comment: The PALB2 c.3449T>G variant is predicted to result in the amino acid substitution p.Leu1150Arg. This variant has been reported in individuals with breast, endometrial, or colorectal cancer (Thompson et al. 2015. PubMed ID:26283626; Rahman et al. 2007. PubMed ID: 17200668; Ring et al. 2019. PubMed ID: 27443514; Pearlman et al. 2017. PubMed ID: 27978560). This variant was not found in functional studies, thus far, to impact the homologous repair activity of PALB2 (Wiltshire et al. 2020. PubMed ID: 316363). This variant is reported in 0.0062% of alleles in individuals of African descent in gnomAD and is interpreted as uncertain in ClinVar. At this time, the clinical significance of this variant is uncertain due to the absence of conclusive functional and genetic evidence.

Center for Genomic Medicine, Rigshospitalet, Copenhagen University Hospital
Classification: Uncertain significance. Last evaluated: 2025-03-04. Review status: criteria provided, single submitter. Criteria: ACMG Guidelines, 2015. Collection method: clinical testing. Allele origin: germline.

Color Diagnostics, LLC DBA Color Health
Classification: Uncertain significance for Hereditary cancer-predisposing syndrome. Last evaluated: 2024-02-06. Review status: criteria provided, single submitter. Criteria: ACMG Guidelines, 2015. Collection method: clinical testing. Allele origin: germline.
Comment: This missense variant replaces leucine with arginine at codon 1150 of the PALB2 protein. Computational prediction suggests that this variant may not impact protein structure and function. A functional study has reported the mutant protein to exhibit normal homology-directed DNA repair function in PALB2-deficient cells (PMID: 31636395). This variant has been reported in two individuals affected with breast cancer (PMID: 17200668, 26283626), one individual with endometrial carcinoma (PMID: 27443514) and two individuals with colorectal cancer (PMID: 27978560). This variant has been identified in 5/251472 chromosomes in the general population by the Genome Aggregation Database (gnomAD). The available evidence is insufficient to determine the role of this variant in disease conclusively. Therefore, this variant is classified as a Variant of Uncertain Significance.

Baylor Genetics
Classification: Uncertain significance for Familial cancer of breast. Last evaluated: 2024-01-22. Review status: criteria provided, single submitter. Criteria: ACMG Guidelines, 2015. Collection method: clinical testing. Allele origin: unknown.

Ambry Genetics
Classification: Uncertain significance for Hereditary cancer-predisposing syndrome. Last evaluated: 2024-01-16. Review status: criteria provided, single submitter. Criteria: Ambry Variant Classification Scheme 2023. Collection method: clinical testing. Allele origin: germline.
Comment: The p.L1150R variant (also known as c.3449T>G), located in coding exon 13 of the PALB2 gene, results from a T to G substitution at nucleotide position 3449. The leucine at codon 1150 is replaced by arginine, an amino acid with dissimilar properties. This alteration has been previously reported in individuals with a personal and/or family history of breast cancer (Rahman N et al. Nat. Genet., 2007 Feb;39:165-7; Thompson ER et al. Breast Cancer Res., 2015 Aug;17:111). In addition, this variant has been reported in individuals diagnosed with colon and/or endometrial cancer (Ring KL et al. Mod. Pathol., 2016 11;29:1381-1389; Pearlman R et al. JAMA Oncol, 2017 Apr;3:464-471). This alteration was also found to be functionally normal in a homology-directed DNA repair (HDR) assay (Wiltshire T et al. Genet Med, 2020 03;22:622-632).This amino acid position is highly conserved in available vertebrate species. In addition, this alteration is predicted to be tolerated by in silico analysis. Since supporting evidence is limited at this time, the clinical significance of this alteration remains unclear.

GeneDx
Classification: Uncertain significance. Last evaluated: 2023-07-10. Review status: criteria provided, single submitter. Criteria: GeneDx Variant Classification Process June 2021. Collection method: clinical testing. Allele origin: germline. Affected: yes.
Comment: Not observed at significant frequency in large population cohorts (gnomAD); In silico analysis supports that this missense variant has a deleterious effect on protein structure/function; Published functional studies demonstrate homology-directed repair comparable to wild-type (Wiltshire et al., 2020); This variant is associated with the following publications: (PMID: 26283626, 27443514, 27978560, 19609323, 20871615, 24485656, 31636395)

Myriad Genetics, Inc.
Classification: Uncertain significance for Familial cancer of breast. Last evaluated: 2023-03-31. Review status: criteria provided, single submitter. Criteria: Myriad Autosomal Dominant, Autosomal Recessive and X-Linked Classification Criteria (2023). Collection method: clinical testing. Allele origin: unknown.
Comment: This variant is classified as a variant of uncertain significance as there is insufficient evidence to determine its impact on protein function and/or cancer risk.

Women's Health and Genetics/Laboratory Corporation of America, LabCorp
Classification: Uncertain significance. Last evaluated: 2022-07-11. Review status: criteria provided, single submitter. Criteria: LabCorp Variant Classification Summary - May 2015. Collection method: clinical testing. Allele origin: germline.
Comment: Variant summary: PALB2 c.3449T>G (p.Leu1150Arg) results in a non-conservative amino acid change located in the Partner and localiser of BRCA2, WD40 domain (IPR031920) of the encoded protein sequence. Four of five in-silico tools predict a damaging effect of the variant on protein function. The variant allele was found at a frequency of 1.9e-05 in 257636 control chromosomes. The available data on variant occurrences in the general population are insufficient to allow any conclusion about variant significance. c.3449T>G has been reported in the literature as a VUS in settings of multigene panel testing among individuals with a variety of cancers such as breast, endometrial and colon (example, Thompson_2015, Rahman_2007, Ring_2016, Pearlman_2017). These report(s) do not provide unequivocal conclusions about association of the variant with Hereditary Breast And Ovarian Cancer Syndrome. At least one publication reports experimental evidence evaluating an impact on protein function (Wiltshire_2019 cited in Boonen_2019). These results showed no damaging effect of this variant on homology directed repair (HDR). Seven clinical diagnostic laboratories have submitted clinical-significance assessments for this variant to ClinVar after 2014 without evidence for independent evaluation. All laboratories classified the variant as uncertain significance. Based on the evidence outlined above, the variant was classified as uncertain significance.

Sema4
Classification: Uncertain significance for Hereditary cancer-predisposing syndrome. Last evaluated: 2021-05-20. Review status: criteria provided, single submitter. Criteria: Sema4 Curation Guidelines. Collection method: curation. Allele origin: germline.
Comment: The PALB2 c.3449T>G (p.L1150R) variant has been reported in at least 5 patients with breast, endometrial, or early-onset colorectal cancer (PMID: 17200668, 26283626, 27443514, 27978560). It was observed in 5/251472 chromosomes in the large and broad cohorts of the Genome Aggregation Database (PMID: 32461654). The variant has been reported in ClinVar (Variation ID 141936). In silico tools suggest the impact of the variant on protein function is inconclusive, but a homology directed repair assay showed that this variant did not impact to the homologous repair activity of PALB2 (PMID: 31636395). The evidence is insufficient to meet ACMG/AMP criteria for classifying the variant as benign or pathogenic. Thus, the clinical significance of this variant is currently uncertain.

Cancer Genetics Laboratory, Peter MacCallum Cancer Centre
Classification: Uncertain significance for Familial cancer of breast. Last evaluated: 2015-06-01. Review status: criteria provided, single submitter. Criteria: Thompson et al. (Breast Cancer Res. 2015). Collection method: case-control. Allele origin: germline. Affected: yes. Observed: 1 variant allele, 1 heterozygote.

Counsyl
Classification: Uncertain significance for Familial cancer of breast. Last evaluated: 2016-04-07. Review status: no assertion criteria provided. Collection method: clinical testing. Allele origin: unknown. Not counted in ClinVar's aggregate classification.

Literature cited by the submitters: PubMed 17200668 (cited by 7 submitters); PubMed 26283626 (cited by 7 submitters); PubMed 27443514 (cited by 6 submitters); PubMed 27978560 (cited by 6 submitters); PubMed 31636395 (cited by 6 submitters); PubMed 33195396 (cited by Women's Health and Genetics/Laboratory Corporation of America, LabCorp).

NM_024675.4(PALB2):c.3449T>G (p.Leu1150Arg)

Gene: PALB2 (partner and localizer of BRCA2; minus strand). Cytogenetic location: 16p12.2.
Variant type: single nucleotide variant.
Coding change: c.3449T>G on transcript NM_024675.4 (MANE Select); coding-DNA position 3449, T replaced by G.
Protein change: p.Leu1150Arg; replaces leucine 1150 with arginine.
Molecular consequence: missense variant.
Genome position (GRCh38, 1-based): chr16:23,603,571, A>C on the plus strand (T>G on the coding strand, the complement: PALB2 is on the minus strand). VCF-style: chr16-23603571-A-C. GRCh37 (hg19) VCF-style: chr16-23614892-A-C.
Other names: short protein forms L1150R.
Identifiers: ClinVar variation 141936 (VCV000141936.36), dbSNP rs45566737, ClinGen allele CA166841.